The following is an entry in ClinVar:

ClinVar aggregate classification (germline): Uncertain significance (1 of 4 stars; one submission).

Conditions:
Hereditary cancer-predisposing syndrome. Also called: Neoplastic Syndromes, Hereditary; Hereditary Cancer Syndrome; Hereditary neoplastic syndrome; Tumor predisposition. Identifiers: Orphanet 140162, MedGen C0027672, MeSH D009386, MONDO:0015356.

Submission:

Ambry Genetics
Classification: Uncertain significance for Hereditary cancer-predisposing syndrome. Last evaluated: 2023-05-14. Review status: criteria provided, single submitter. Criteria: Ambry Variant Classification Scheme 2023. Collection method: clinical testing. Allele origin: germline.
Comment: The p.S422T variant (also known as c.1265G>C), located in coding exon 9 of the STK11 gene, results from a G to C substitution at nucleotide position 1265. The serine at codon 422 is replaced by threonine, an amino acid with similar properties. This amino acid position is conserved. In addition, this alteration is predicted to be tolerated by in silico analysis. Since supporting evidence is limited at this time, the clinical significance of this alteration remains unclear.

NM_000455.5(STK11):c.1265G>C (p.Ser422Thr)

Gene: STK11 (serine/threonine kinase 11; plus strand). Cytogenetic location: 19p13.3.
Variant type: single nucleotide variant.
Coding change: c.1265G>C on transcript NM_000455.5 (MANE Select); coding-DNA position 1265, G replaced by C.
Protein change: p.Ser422Thr; replaces serine 422 with threonine.
Molecular consequence: missense variant. On other transcripts: non-coding transcript variant (1).
Genome position (GRCh38, 1-based): chr19:1,226,610, G>C. VCF-style: chr19-1226610-G-C. GRCh37 (hg19) VCF-style: chr19-1226609-G-C.
Other names: short protein forms S422T.
Identifiers: ClinVar variation 2561035 (VCV002561035.2), dbSNP rs2145436508, ClinGen allele CA402954113.
Genomic context (GRCh38, chr19:1,226,610, plus strand): 5'-CCAAATCCAGGGCGGAGGGCCGGGCCCCCAACCCTGCCCGCAAGGCCTGCTCCGCCAGCA[G>C]CAAGATCCGCCGGCTGTCGGCCTGCAAGCAGCAGTGAGGCTGGCCGCCTGCAGGTGGGGC-3'
Protein context (NP_000446.1, residues 412-432): NPARKACSAS[Ser422Thr]KIRRLSACKQ